The following is an entry in ClinVar:

ClinVar aggregate classification (germline): Uncertain significance (1 of 4 stars; one submission).

Conditions:
Torsion dystonia 6 (DYT6). Also called: DYT-THAP1. Identifiers: Orphanet 98806, MedGen C1414216, MONDO:0011264, OMIM 602629.

Allele frequency attached by ClinVar (database versions not stated): gnomAD exomes below 0.00001.
gnomAD v4.1: 1 of 1,613,410 alleles (0.000062%); highest among the groups gnomAD compares: Non-Finnish European, 0.000085%; no homozygotes.

Submission:

Labcorp Genetics (formerly Invitae), Labcorp
Classification: Uncertain significance for Torsion dystonia 6. Last evaluated: 2022-06-07. Review status: criteria provided, single submitter. Criteria: Invitae Variant Classification Sherloc (09022015). Collection method: clinical testing. Allele origin: germline.
Comment: Algorithms developed to predict the effect of sequence changes on RNA splicing suggest that this variant may create or strengthen a splice site. In summary, the available evidence is currently insufficient to determine the role of this variant in disease. Therefore, it has been classified as a Variant of Uncertain Significance. This sequence change falls in intron 2 of the THAP1 gene. It does not directly change the encoded amino acid sequence of the THAP1 protein. This variant is not present in population databases (gnomAD no frequency). This variant has not been reported in the literature in individuals affected with THAP1-related conditions.

NM_018105.3(THAP1):c.268-5T>C

Gene: THAP1 (THAP domain containing 1; minus strand). Cytogenetic location: 8p11.21.
Variant type: single nucleotide variant.
Coding change: c.268-5T>C on transcript NM_018105.3 (MANE Select); 5 bases into the intron before coding-DNA position 268, T replaced by C.
Molecular consequence: intron variant.
Genome position (GRCh38, 1-based): chr8:42,838,341, A>G on the plus strand (T>C on the coding strand, the complement: THAP1 is on the minus strand). VCF-style: chr8-42838341-A-G. GRCh37 (hg19) VCF-style: chr8-42693484-A-G.
Other names: c.72-5T>C (NM_199003.2).
Identifiers: ClinVar variation 1982709 (VCV001982709.4), dbSNP rs200196616, ClinGen allele CA176034260.